The following is an entry in ClinVar:

ClinVar aggregate classification (germline): Uncertain significance (1 of 4 stars; one submission).

Conditions:
Cardiovascular phenotype. Identifiers: MedGen CN230736.

Submission:

Ambry Genetics
Classification: Uncertain significance for Cardiovascular phenotype. Last evaluated: 2026-09-11. Review status: criteria provided, single submitter. Criteria: Ambry Variant Classification Scheme 2023. Collection method: clinical testing. Allele origin: germline.
Comment: The p.V862I variant (also known as c.2584G>A), located in coding exon 17 of the APOB gene, results from a G to A substitution at nucleotide position 2584. The valine at codon 862 is replaced by isoleucine, an amino acid with highly similar properties. This amino acid position is conserved. In addition, this alteration is predicted to be tolerated by in silico analysis. Based on the available evidence, the clinical significance of this variant remains unclear.

NM_000384.3(APOB):c.2584G>A (p.Val862Ile)

Gene: APOB (apolipoprotein B; minus strand). Cytogenetic location: 2p24.1.
Variant type: single nucleotide variant.
Coding change: c.2584G>A on transcript NM_000384.3 (MANE Select); coding-DNA position 2584, G replaced by A.
Protein change: p.Val862Ile; replaces valine 862 with isoleucine.
Molecular consequence: missense variant.
Genome position (GRCh38, 1-based): chr2:21,023,545, C>T on the plus strand (G>A on the coding strand, the complement: APOB is on the minus strand). VCF-style: chr2-21023545-C-T. GRCh37 (hg19) VCF-style: chr2-21246417-C-T.
Other names: short protein forms V862I.
Identifiers: ClinVar variation 3933850 (VCV003933850.2).